The following is an entry in ClinVar:

NM_019109.5(ALG1):c.945C>T (p.Leu315=)

Gene: ALG1 (ALG1 chitobiosyldiphosphodolichol beta-mannosyltransferase; plus strand). Cytogenetic location: 16p13.3.
Variant type: single nucleotide variant.
Coding change: c.945C>T on transcript NM_019109.5 (MANE Select); coding-DNA position 945, C replaced by T.
Protein change: p.Leu315=; no amino-acid change (leucine 315 retained).
Molecular consequence: synonymous variant.
Genome position (GRCh38, 1-based): chr16:5,079,791, C>T. VCF-style: chr16-5079791-C-T. GRCh37 (hg19) VCF-style: chr16-5129792-C-T.
Other names: c.945C>T (NM_019109.4); c.612C>T, p.Leu204= (NM_001330504.2).
Identifiers: ClinVar variation 1581365 (VCV001581365.10), dbSNP rs766773704, ClinGen allele CA7890117.
Genomic context (GRCh38, chr16:5,079,791, plus strand): 5'-TCTTTTTCTAAACACAGAGTTTGAACAACTGACTCTTGATGGACACAACCTTCCTTCTCT[C>T]GTCTGTGTGATAACAGGTACTGCCTGGGACCCTGGGTGTCTGTTTGGTTGGGGGATGGCG-3'
Protein context (NP_061982.3, residues 305-325): LTLDGHNLPS[Leu315=]VCVITGKGPL

ClinVar aggregate classification (germline): Likely benign. Review status: criteria provided, single submitter (1 of 4 stars). 2 submissions from 2 submitters: Likely benign (1). 1 of the submissions does not count toward it. Last evaluated 2025-12-17.

Conditions:
ALG1-related disorder. Also called: ALG1-related condition.
ALG1-congenital disorder of glycosylation. Also called: CONGENITAL DISORDER OF GLYCOSYLATION, TYPE Ik; CDG Ik; ALG1-CDG. Identifiers: Orphanet 79327, MedGen C2931005, MONDO:0012052, OMIM 608540.

Allele frequency attached by ClinVar (database versions not stated): ExAC 0.00002; gnomAD exomes 0.00002.
gnomAD v4.1: 16 of 1,611,866 alleles (0.00099%); highest among the groups gnomAD compares: South Asian, 0.0066%; no homozygotes.

Submissions (2):

Labcorp Genetics (formerly Invitae), Labcorp
Classification: Likely benign for ALG1-congenital disorder of glycosylation. Last evaluated: 2025-12-17. Review status: criteria provided, single submitter. Criteria: Invitae Variant Classification Sherloc (09022015). Collection method: clinical testing. Allele origin: germline.

PreventionGenetics, part of Exact Sciences
Classification: Likely benign for ALG1-related condition. Last evaluated: 2019-02-20. Review status: no assertion criteria provided. Collection method: clinical testing. Allele origin: germline. Not counted in ClinVar's aggregate classification.
Comment: This variant is classified as likely benign based on ACMG/AMP sequence variant interpretation guidelines (Richards et al. 2015 PMID: 25741868, with internal and published modifications).